The following is an entry in ClinVar:

ClinVar aggregate classification (germline): Benign (0 of 4 stars; one submission).

Conditions:
DHX16-related disorder. Also called: DHX16-related condition.

Allele frequency attached by ClinVar (database versions not stated): gnomAD exomes 0.00102; ExAC 0.00272; 1000 Genomes Project 0.00719; 1000 Genomes Project 30x 0.00781; gnomAD 0.00972; TOPMed 0.01084; ESP Exome Variant Server 0.01138.
gnomAD v4.1: 2,997 of 1,612,912 alleles (0.19%); highest among the groups gnomAD compares: African/African-American, 3.3%; 39 homozygotes.

Submission:

PreventionGenetics, part of Exact Sciences
Classification: Benign for DHX16-related condition. Last evaluated: 2019-12-06. Review status: no assertion criteria provided. Collection method: clinical testing. Allele origin: germline.
Comment: This variant is classified as benign based on ACMG/AMP sequence variant interpretation guidelines (Richards et al. 2015 PMID: 25741868, with internal and published modifications).

NM_003587.5(DHX16):c.141A>G (p.Leu47=)

Gene: DHX16 (DEAH-box helicase 16; minus strand). Cytogenetic location: 6p21.33.
Variant type: single nucleotide variant.
Coding change: c.141A>G on transcript NM_003587.5 (MANE Select); coding-DNA position 141, A replaced by G.
Protein change: p.Leu47=; no amino-acid change (leucine 47 retained).
Molecular consequence: synonymous variant. On other transcripts: 5 prime UTR variant (1), intron variant (1).
Genome position (GRCh38, 1-based): chr6:30,672,701, T>C on the plus strand (A>G on the coding strand, the complement: DHX16 is on the minus strand). VCF-style: chr6-30672701-T-C. GRCh37 (hg19) VCF-style: chr6-30640478-T-C.
Other names: c.-1979A>G (NM_001363515.2); c.27+255A>G (NM_001164239.2).
Identifiers: ClinVar variation 3037432 (VCV003037432.2), dbSNP rs34921364, ClinGen allele CA3701578.